The following is an entry in ClinVar:

ClinVar aggregate classification (germline): Uncertain significance (1 of 4 stars; one submission).

Conditions:
Atypical glycine encephalopathy. Also called: Glycine encephalopathy with normal serum glycine. Identifiers: Orphanet 289863, MedGen C4310943, MONDO:0015010, OMIM 617301.

Submission:

Labcorp Genetics (formerly Invitae), Labcorp
Classification: Uncertain significance for Atypical glycine encephalopathy. Last evaluated: 2022-03-15. Review status: criteria provided, single submitter. Criteria: Invitae Variant Classification Sherloc (09022015). Collection method: clinical testing. Allele origin: germline.
Comment: In summary, the available evidence is currently insufficient to determine the role of this variant in disease. Therefore, it has been classified as a Variant of Uncertain Significance. Experimental studies and prediction algorithms are not available or were not evaluated, and the functional significance of this variant is currently unknown. This variant has not been reported in the literature in individuals affected with SLC6A9-related conditions. This variant is not present in population databases (gnomAD no frequency). This sequence change results in a frameshift in the SLC6A9 gene (p.Gly697Alafs*29). While this is not anticipated to result in nonsense mediated decay, it is expected to disrupt the last 10 amino acid(s) of the SLC6A9 protein and extend the protein by 18 additional amino acid residues.

NM_001024845.3(SLC6A9):c.1871_1877del (p.Gly624fs)

Gene: SLC6A9 (solute carrier family 6 member 9; minus strand). Cytogenetic location: 1p34.1.
Variant type: Deletion.
Coding change: c.1871_1877del on transcript NM_001024845.3 (MANE Select); coding-DNA positions 1871 to 1877, 7 bases deleted (GCTCCAG; older notation c.1871_1877delGCTCCAG).
Protein change: p.Gly624fs; shifts the reading frame from glycine 624.
Molecular consequence: frameshift variant. On other transcripts: non-coding transcript variant (1).
Genome position (GRCh38, 1-based): chr1:43,997,570-43,997,576, CTGGAGC deleted on the plus strand (GCTCCAG on the coding strand, the reverse complement: SLC6A9 is on the minus strand); deleting any 7 consecutive bases within chr1:43,997,570-43,997,577 gives the same sequence; the c. name uses the placement nearest the transcript's 3' end. VCF-style (leftmost placement, unchanged base first): chr1-43997569-GCTGGAGC-G. GRCh37 (hg19) VCF-style: chr1-44463241-GCTGGAGC-G.
Other names: c.1883_1889del, p.Gly628fs (NM_001261380.2); c.1538_1544del, p.Gly513fs (NM_001328626.2); c.1808_1814del, p.Gly603fs (NM_001328627.1); c.1676_1682del, p.Gly559fs (NM_001328628.1); c.1871_1877del, p.Gly624fs (NM_001328629.1); c.1367_1373del, p.Gly456fs (NM_001328630.2); c.1928_1934del, p.Gly643fs (NM_006934.4); c.2090_2096del, p.Gly697fs (NM_201649.4); short protein forms G559fs, G603fs, G624fs, G697fs, G628fs, G456fs, G513fs, G643fs.
Identifiers: ClinVar variation 2099475 (VCV002099475.4), dbSNP rs2529199762, ClinGen allele CA2574345915.